The following is an entry in ClinVar:

ClinVar aggregate classification (germline): Conflicting classifications of pathogenicity. Review status: criteria provided, conflicting classifications (1 of 4 stars). 3 submissions from 3 submitters: Pathogenic (1); Likely pathogenic (1); Uncertain significance (1). Last evaluated 2025-11-07.

Conditions:
SPOP-related neurodevelopmental condition.

Submissions (3):

GeneDx
Classification: Likely pathogenic. Last evaluated: 2025-11-07. Review status: criteria provided, single submitter. Criteria: GeneDx Variant Classification Process June 2021. Collection method: clinical testing. Allele origin: germline.
Comment: Not observed at significant frequency in large population cohorts (gnomAD); In silico analysis supports that this missense variant has a deleterious effect on protein structure/function; Has not been previously published as pathogenic or benign to our knowledge

Undiagnosed Diseases Network, NIH
Classification: Pathogenic for SPOP-related neurodevelopmental condition. Last evaluated: 2021-06-28. Review status: criteria provided, single submitter. Criteria: ACMG Guidelines, 2015. Collection method: clinical testing. Allele origin: de novo. Inheritance: Autosomal dominant inheritance. Affected: yes. Observed: 1 variant allele, 1 heterozygote. Study: Undiagnosed Diseases Network (NIH), UDN.

Blueprint Genetics
Classification: Uncertain significance. Last evaluated: 2019-01-18. Review status: criteria provided, single submitter. Criteria: ACMG Guidelines, 2015. Collection method: clinical testing. Allele origin: germline.

NM_001007228.2(SPOP):c.223G>A (p.Gly75Arg)

Gene: SPOP (speckle type BTB/POZ protein; minus strand). Cytogenetic location: 17q21.33.
Variant type: single nucleotide variant.
Coding change: c.223G>A on transcript NM_001007228.2 (MANE Select); coding-DNA position 223, G replaced by A.
Protein change: p.Gly75Arg; replaces glycine 75 with arginine.
Molecular consequence: missense variant.
Genome position (GRCh38, 1-based): chr17:49,619,363, C>T on the plus strand (G>A on the coding strand, the complement: SPOP is on the minus strand). VCF-style: chr17-49619363-C-T. GRCh37 (hg19) VCF-style: chr17-47696725-C-T.
Other names: p.Gly75Arg; c.223G>A, p.Gly75Arg (NM_001007226.1, NM_001007227.1, NM_001007229.1 and 5 more transcripts); short protein forms G75R.
Identifiers: ClinVar variation 1327118 (VCV001327118.6), dbSNP rs2143273650, ClinGen allele CA400157100.
Genomic context (GRCh38, chr17:49,619,363, plus strand): 5'-TTGGACAGCTGACCAGTAACAGGTAAAGTGACAGGTAATCTTTGCTTTCTTCATCTAACC[C>T]TTTGGGGTTTACTCGCAAACACCTGTCCAAAACAGATAGAAAAAAAAAATGTCAAAAGCA-3'
Protein context (NP_001007229.1, residues 65-85): LKWCLRVNPK[Gly75Arg]LDEESKDYLS